The following is an entry in ClinVar:

ClinVar aggregate classification (germline): Uncertain significance. Review status: criteria provided, multiple submitters, no conflicts (2 of 4 stars). 4 submissions from 4 submitters: Uncertain significance (4). Last evaluated 2025-12-28.

Conditions:
FARS2-related disorder. Also called: FARS2-related condition; FARS2-related disorders.
Combined oxidative phosphorylation defect type 14. Also called: Combined oxidative phosphorylation deficiency 14. Identifiers: Orphanet 319519, MedGen C4755312, MONDO:0013986, OMIM 614946.

Allele frequency attached by ClinVar (database versions not stated): gnomAD exomes 0.00006 and 0.00016; 1000 Genomes Project 0.00020; ExAC 0.00021; 1000 Genomes Project 30x 0.00031; gnomAD 0.00048 and 0.00052; TOPMed 0.00058; ESP Exome Variant Server 0.00100.
gnomAD v4.1: 154 of 1,614,040 alleles (0.0095%); highest among the groups gnomAD compares: African/African-American, 0.19%; no homozygotes.

Submissions (4):

Labcorp Genetics (formerly Invitae), Labcorp
Classification: Uncertain significance for Combined oxidative phosphorylation defect type 14. Last evaluated: 2025-12-28. Review status: criteria provided, single submitter. Criteria: Invitae Variant Classification Sherloc (09022015). Collection method: clinical testing. Allele origin: germline.
Comment: This sequence change replaces tyrosine, which is neutral and polar, with cysteine, which is neutral and slightly polar, at codon 324 of the FARS2 protein (p.Tyr324Cys). This variant is present in population databases (rs142073519, gnomAD 0.2%). This variant has not been reported in the literature in individuals affected with FARS2-related conditions. ClinVar contains an entry for this variant (Variation ID: 214333). Invitae Evidence Modeling of protein sequence and biophysical properties (such as structural, functional, and spatial information, amino acid conservation, physicochemical variation, residue mobility, and thermodynamic stability) indicates that this missense variant is expected to disrupt FARS2 protein function with a positive predictive value of 95%. In summary, the available evidence is currently insufficient to determine the role of this variant in disease. Therefore, it has been classified as a Variant of Uncertain Significance.

GeneDx
Classification: Uncertain significance. Last evaluated: 2025-09-04. Review status: criteria provided, single submitter. Criteria: GeneDx Variant Classification Process June 2021. Collection method: clinical testing. Allele origin: germline. Affected: yes.
Comment: In silico analysis supports that this missense variant has a deleterious effect on protein structure/function; Has not been previously published as pathogenic or benign to our knowledge

PreventionGenetics, part of Exact Sciences
Classification: Uncertain significance for FARS2-related condition. Last evaluated: 2025-02-11. Review status: criteria provided, single submitter. Criteria: ACMG Guidelines, 2015. Collection method: clinical testing. Allele origin: germline.
Comment: The FARS2 c.971A>G variant is predicted to result in the amino acid substitution p.Tyr324Cys. To our knowledge, this variant has not been reported in the literature. This variant is reported in 0.20% of alleles in individuals of African descent in gnomAD. Although we suspect that this variant may be benign, at this time, the clinical significance of this variant is uncertain due to the absence of conclusive functional and genetic evidence.

Baylor Genetics
Classification: Uncertain significance for Combined oxidative phosphorylation defect type 14. Last evaluated: 2021-12-23. Review status: criteria provided, single submitter. Criteria: ACMG Guidelines, 2015. Collection method: clinical testing. Allele origin: unknown.

NM_006567.5(FARS2):c.971A>G (p.Tyr324Cys)

Gene: FARS2 (phenylalanyl-tRNA synthetase 2, mitochondrial; plus strand). Cytogenetic location: 6p25.1.
Variant type: single nucleotide variant.
Coding change: c.971A>G on transcript NM_006567.5 (MANE Select); coding-DNA position 971, A replaced by G.
Protein change: p.Tyr324Cys; replaces tyrosine 324 with cysteine.
Molecular consequence: missense variant.
Genome position (GRCh38, 1-based): chr6:5,545,246, A>G. VCF-style: chr6-5545246-A-G. GRCh37 (hg19) VCF-style: chr6-5545479-A-G.
Other names: p.Y324C:TAC>TGC; c.971A>G, p.Tyr324Cys (NM_001318872.2, NM_001374875.1, NM_001374876.1 and 4 more transcripts); c.839A>G, p.Tyr280Cys (NM_001375258.1); c.275A>G, p.Tyr92Cys (NM_001375259.1, NM_001375260.1); c.971A>G (NM_006567.4); short protein forms Y324C, Y280C, Y92C.
Identifiers: ClinVar variation 214333 (VCV000214333.11), dbSNP rs142073519, ClinGen allele CA320903.